The following is an entry in ClinVar:

NM_000091.5(COL4A3):c.4381C>A (p.Pro1461Thr)

Genes: COL4A3 (collagen type IV alpha 3 chain; plus strand), MFF-DT (MFF divergent transcript; minus strand). Cytogenetic location: 2q36.3.
Variant type: single nucleotide variant.
Coding change: c.4381C>A on transcript NM_000091.5 (MANE Select); coding-DNA position 4381, C replaced by A.
Protein change: p.Pro1461Thr; replaces proline 1461 with threonine.
Molecular consequence: missense variant.
Genome position (GRCh38, 1-based): chr2:227,307,838, C>A. VCF-style: chr2-227307838-C-A. GRCh37 (hg19) VCF-style: chr2-228172554-C-A.
Other names: short protein forms P1461T.
Identifiers: ClinVar variation 1411681 (VCV001411681.5), dbSNP rs767367726, ClinGen allele CA2147523.
Genomic context (GRCh38, chr2:227,307,838, plus strand): 5'-TGGACAACGAGAGGCTTTGTCTTCACCCGACACAGTCAAACCACAGCAATTCCTTCATGT[C>A]CAGAGGGGACAGTGCCACTCTACAGTGGGTTTTCTTTTCTTTTTGTACAAGGAAATCAAC-3'
Protein context (NP_000082.2, residues 1451-1471): HSQTTAIPSC[Pro1461Thr]EGTVPLYSGF

ClinVar aggregate classification (germline): Uncertain significance (1 of 4 stars; one submission).

Allele frequency attached by ClinVar (database versions not stated): gnomAD exomes 0.00001.
gnomAD v4.1: 10 of 1,614,114 alleles (0.00062%); highest among the groups gnomAD compares: Non-Finnish European, 0.00076%; no homozygotes.

Submission:

Labcorp Genetics (formerly Invitae), Labcorp
Classification: Uncertain significance. Last evaluated: 2021-09-01. Review status: criteria provided, single submitter. Criteria: Invitae Variant Classification Sherloc (09022015). Collection method: clinical testing. Allele origin: germline.
Comment: This sequence change replaces proline with threonine at codon 1461 of the COL4A3 protein (p.Pro1461Thr). The proline residue is highly conserved and there is a small physicochemical difference between proline and threonine. This variant is present in population databases (rs767367726, ExAC 0.01%). This variant has not been reported in the literature in individuals affected with COL4A3-related conditions. Experimental studies and prediction algorithms are not available or were not evaluated, and the functional significance of this variant is currently unknown. In summary, the available evidence is currently insufficient to determine the role of this variant in disease. Therefore, it has been classified as a Variant of Uncertain Significance.